The following is an entry in ClinVar:

NM_000065.5(C6):c.2690G>A (p.Cys897Tyr)

Gene: C6 (complement C6; minus strand). Cytogenetic location: 5p13.1.
Variant type: single nucleotide variant.
Coding change: c.2690G>A on transcript NM_000065.5 (MANE Select); coding-DNA position 2690, G replaced by A.
Protein change: p.Cys897Tyr; replaces cysteine 897 with tyrosine.
Molecular consequence: missense variant.
Genome position (GRCh38, 1-based): chr5:41,142,940, C>T on the plus strand (G>A on the coding strand, the complement: C6 is on the minus strand). VCF-style: chr5-41142940-C-T. GRCh37 (hg19) VCF-style: chr5-41143042-C-T.
Other names: c.2690G>A, p.Cys897Tyr (NM_001115131.4); short protein forms C897Y.
Identifiers: ClinVar variation 1506664 (VCV001506664.8), dbSNP rs2150210454, ClinGen allele CA359592062.

ClinVar aggregate classification (germline): Uncertain significance (1 of 4 stars; one submission).

Submission:

Labcorp Genetics (formerly Invitae), Labcorp
Classification: Uncertain significance. Last evaluated: 2022-08-16. Review status: criteria provided, single submitter. Criteria: Invitae Variant Classification Sherloc (09022015). Collection method: clinical testing. Allele origin: germline.
Comment: This sequence change replaces cysteine, which is neutral and slightly polar, with tyrosine, which is neutral and polar, at codon 897 of the C6 protein (p.Cys897Tyr). In summary, the available evidence is currently insufficient to determine the role of this variant in disease. Therefore, it has been classified as a Variant of Uncertain Significance. Algorithms developed to predict the effect of missense changes on protein structure and function are either unavailable or do not agree on the potential impact of this missense change (SIFT: "Deleterious"; PolyPhen-2: "Probably Damaging"; Align-GVGD: "Class C0"). ClinVar contains an entry for this variant (Variation ID: 1506664). This variant has not been reported in the literature in individuals affected with C6-related conditions. This variant is not present in population databases (gnomAD no frequency).